The following is an entry in ClinVar:

ClinVar aggregate classification (germline): Uncertain significance. Review status: criteria provided, multiple submitters, no conflicts (2 of 4 stars). 4 submissions from 4 submitters: Uncertain significance (4). Last evaluated 2024-11-13.

Conditions:
Combined immunodeficiency due to LRBA deficiency. Also called: Common variable immunodeficiency 8, with autoimmunity. Identifiers: Orphanet 445018, MedGen C3553512, MONDO:0013863, OMIM 614700.

Allele frequency attached by ClinVar (database versions not stated): gnomAD exomes 0.00007 and 0.00013; ExAC 0.00014; 1000 Genomes Project 30x 0.00016; 1000 Genomes Project 0.00020; TOPMed 0.00056; gnomAD 0.00061 and 0.00066; ESP Exome Variant Server 0.00077.
gnomAD v4.1: 208 of 1,614,096 alleles (0.013%); highest among the groups gnomAD compares: African/African-American, 0.21%; no homozygotes.

Submissions (4):

Blueprint Genetics
Classification: Uncertain significance. Last evaluated: 2024-11-13. Review status: criteria provided, single submitter. Criteria: ACMG Guidelines, 2015. Collection method: clinical testing. Allele origin: germline.

GeneDx
Classification: Uncertain significance. Last evaluated: 2023-03-26. Review status: criteria provided, single submitter. Criteria: GeneDx Variant Classification Process June 2021. Collection method: clinical testing. Allele origin: germline. Affected: yes.
Comment: In silico analysis supports that this missense variant has a deleterious effect on protein structure/function; This variant is associated with the following publications: (PMID: 35753512, 34329649)

Labcorp Genetics (formerly Invitae), Labcorp
Classification: Uncertain significance for Combined immunodeficiency due to LRBA deficiency. Last evaluated: 2022-07-12. Review status: criteria provided, single submitter. Criteria: Invitae Variant Classification Sherloc (09022015). Collection method: clinical testing. Allele origin: germline.
Comment: This sequence change replaces arginine, which is basic and polar, with tryptophan, which is neutral and slightly polar, at codon 2825 of the LRBA protein (p.Arg2825Trp). This variant is present in population databases (rs143351602, gnomAD 0.2%). This variant has not been reported in the literature in individuals affected with LRBA-related conditions. ClinVar contains an entry for this variant (Variation ID: 568471). Algorithms developed to predict the effect of missense changes on protein structure and function (SIFT, PolyPhen-2, Align-GVGD) all suggest that this variant is likely to be disruptive. In summary, the available evidence is currently insufficient to determine the role of this variant in disease. Therefore, it has been classified as a Variant of Uncertain Significance.

Center for Genomics, Ann and Robert H. Lurie Children's Hospital of Chicago
Classification: Uncertain significance for Combined immunodeficiency due to LRBA deficiency. Last evaluated: 2021-03-30. Review status: criteria provided, single submitter. Criteria: ACMG Guidelines, 2015. Collection method: clinical testing. Allele origin: germline.
Comment: LRBA NM_006726.4 exon 57 p.Arg2825Trp (c.8473C>T): This variant has not been reported in the literature but is present in 0.1% (45/24964) of African alleles in the Genome Aggregation Database. This variant is present in ClinVar (Variation ID:568471). Evolutionary conservation and computational predictive tools suggest that this variant may impact the protein. In summary, data on this variant is insufficient for disease classification. Therefore, the clinical significance of this variant is uncertain.

NM_001364905.1(LRBA):c.8440C>T (p.Arg2814Trp)

Gene: LRBA (LPS responsive beige-like anchor protein; minus strand). Cytogenetic location: 4q31.3.
Variant type: single nucleotide variant.
Coding change: c.8440C>T on transcript NM_001364905.1 (MANE Select); coding-DNA position 8440, C replaced by T.
Protein change: p.Arg2814Trp; replaces arginine 2814 with tryptophan.
Molecular consequence: missense variant.
Genome position (GRCh38, 1-based): chr4:150,277,881, G>A on the plus strand (C>T on the coding strand, the complement: LRBA is on the minus strand). VCF-style: chr4-150277881-G-A. GRCh37 (hg19) VCF-style: chr4-151199033-G-A.
Other names: c.8437C>T, p.Arg2813Trp (NM_001199282.3); c.8455C>T, p.Arg2819Trp (NM_001367550.1); c.8473C>T, p.Arg2825Trp (NM_006726.5); short protein forms R2814W, R2825W, R2813W, R2819W.
Identifiers: ClinVar variation 568471 (VCV000568471.8), dbSNP rs143351602, ClinGen allele CA3101345.